The following is an entry in ClinVar:

NM_004360.5(CDH1):c.679A>G (p.Thr227Ala)

Gene: CDH1 (cadherin 1; plus strand). Cytogenetic location: 16q22.1.
Variant type: single nucleotide variant.
Coding change: c.679A>G on transcript NM_004360.5 (MANE Select); coding-DNA position 679, A replaced by G.
Protein change: p.Thr227Ala; replaces threonine 227 with alanine.
Molecular consequence: missense variant. On other transcripts: 5 prime UTR variant (2).
Genome position (GRCh38, 1-based): chr16:68,808,840, A>G. VCF-style: chr16-68808840-A-G. GRCh37 (hg19) VCF-style: chr16-68842743-A-G.
Other names: c.679A>G (LRG_301t1); c.679A>G, p.Thr227Ala (NM_001317184.2); c.-937A>G (NM_001317185.2); c.-1141A>G (NM_001317186.2); short protein forms T227A.
Identifiers: ClinVar variation 422816 (VCV000422816.25), dbSNP rs1064796018, ClinGen allele CA16620239.
Genomic context (GRCh38, chr16:68,808,840, plus strand): 5'-ATTGAAAGAGAAACAGGATGGCTGAAGGTGACAGAGCCTCTGGATAGAGAACGCATTGCC[A>G]CATACACTGTAAGTATCTCTTAGAAGCTTGTTGACACCGGGGTAACATCCACCCAGGATT-3'
Protein context (NP_004351.1, residues 217-237): TEPLDRERIA[Thr227Ala]YTLFSHAVSS

ClinVar aggregate classification (germline): Conflicting classifications of pathogenicity. Review status: criteria provided, conflicting classifications (1 of 4 stars). 6 submissions from 6 submitters: Uncertain significance (5); Likely benign (1). Last evaluated 2026-07-30.

Conditions:
Hereditary diffuse gastric adenocarcinoma (HDGC). Also called: DIFFUSE GASTRIC AND LOBULAR BREAST CANCER SYNDROME. Identifiers: Orphanet 26106, MedGen C1708349, MONDO:0007648, OMIM 137215.
Hereditary cancer-predisposing syndrome. Also called: Neoplastic Syndromes, Hereditary; Hereditary neoplastic syndrome; Hereditary Cancer Syndrome; Tumor predisposition. Identifiers: Orphanet 140162, MedGen C0027672, MeSH D009386, MONDO:0015356.
Familial cancer of breast. Also called: hereditary breast carcinoma; Hereditary breast cancer; BREAST CANCER, FAMILIAL. Identifiers: Orphanet 227535, MedGen C0346153, MONDO:0016419, OMIM 114480. Disease mechanism: loss of function.

Allele frequency attached by ClinVar (database versions not stated): gnomAD exomes below 0.00001; gnomAD 0.00001.
gnomAD v4.1: 3 of 1,613,888 alleles (0.00019%); highest among the groups gnomAD compares: Admixed American, 0.005%; no homozygotes.

Submissions (6):

Ambry Genetics
Classification: Likely benign for Hereditary cancer-predisposing syndrome. Last evaluated: 2026-07-30. Review status: criteria provided, single submitter. Criteria: Ambry Variant Classification Scheme 2023. Collection method: clinical testing. Allele origin: germline.

Labcorp Genetics (formerly Invitae), Labcorp
Classification: Uncertain significance for Hereditary diffuse gastric adenocarcinoma. Last evaluated: 2025-06-02. Review status: criteria provided, single submitter. Criteria: Invitae Variant Classification Sherloc (09022015). Collection method: clinical testing. Allele origin: germline.
Comment: This sequence change replaces threonine, which is neutral and polar, with alanine, which is neutral and non-polar, at codon 227 of the CDH1 protein (p.Thr227Ala). This variant is present in population databases (no rsID available, gnomAD 0.003%). This variant has not been reported in the literature in individuals affected with CDH1-related conditions. ClinVar contains an entry for this variant (Variation ID: 422816). An algorithm developed to predict the effect of missense changes on protein structure and function (PolyPhen-2) suggests that this variant is likely to be tolerated. In summary, the available evidence is currently insufficient to determine the role of this variant in disease. Therefore, it has been classified as a Variant of Uncertain Significance.

Baylor Genetics
Classification: Uncertain significance for Familial cancer of breast. Last evaluated: 2023-10-19. Review status: criteria provided, single submitter. Criteria: ACMG Guidelines, 2015. Collection method: clinical testing. Allele origin: unknown.

Color Diagnostics, LLC DBA Color Health
Classification: Uncertain significance for Hereditary cancer-predisposing syndrome. Last evaluated: 2022-05-06. Review status: criteria provided, single submitter. Criteria: ACMG Guidelines, 2015. Collection method: clinical testing. Allele origin: germline.
Comment: This missense variant replaces threonine with alanine at codon 227 of the CDH1 protein. To our knowledge, functional studies have not been reported for this variant. This variant has not been reported in individuals affected with hereditary cancer in the literature. This variant has been identified in 1/250854 chromosomes in the general population by the Genome Aggregation Database (gnomAD). The available evidence is insufficient to determine the role of this variant in disease conclusively. Therefore, this variant is classified as a Variant of Uncertain Significance.

Sema4
Classification: Uncertain significance for Hereditary cancer-predisposing syndrome. Last evaluated: 2021-10-19. Review status: criteria provided, single submitter. Criteria: Sema4 Curation Guidelines. Collection method: curation. Allele origin: germline.
Comment: The CDH1 c.679A>G (p.T227A) variant has been reported in heterozygosity in at least one individual with breast cancer and absent in controls in a case-control study with 60,466 breast cancer cases and 53,461 controls (PMID: 33471991). It was observed in 1/34570 chromosomes of the Latino subpopulation in the large and broad cohorts of the Genome Aggregation Database (PMID: 32461654). The variant has been reported in ClinVar (Variation ID 422816). In silico tools suggest the impact of the variant on protein function is benign, though these predictions have not been confirmed by functional studies. The evidence is insufficient to meet ACMG/AMP criteria for classifying the variant as benign or pathogenic. Thus, the clinical significance of this variant is currently uncertain.

GeneDx
Classification: Uncertain significance. Last evaluated: 2019-11-26. Review status: criteria provided, single submitter. Criteria: GeneDx Variant Classification Process June 2021. Collection method: clinical testing. Allele origin: germline. Affected: yes.
Comment: Not observed at a significant frequency in large population cohorts (Lek 2016); In silico analysis, which includes protein predictors and evolutionary conservation, supports that this variant does not alter protein structure/function; Has not been previously published as pathogenic or benign to our knowledge

Literature cited by the submitters: PubMed 33471991 (cited by Sema4).